The following is an entry in ClinVar:

NM_001041.4(SI):c.787C>T (p.Arg263Ter)

Gene: SI (sucrase-isomaltase; minus strand). Cytogenetic location: 3q26.1.
Variant type: single nucleotide variant.
Coding change: c.787C>T on transcript NM_001041.4 (MANE Select); coding-DNA position 787, C replaced by T.
Protein change: p.Arg263Ter; replaces arginine 263 with a stop codon.
Molecular consequence: nonsense.
Genome position (GRCh38, 1-based): chr3:165,065,281, G>A on the plus strand (C>T on the coding strand, the complement: SI is on the minus strand). VCF-style: chr3-165065281-G-A. GRCh37 (hg19) VCF-style: chr3-164783069-G-A.
Other names: short protein forms R263*.
Identifiers: ClinVar variation 2186118 (VCV002186118.4), dbSNP rs756977393, ClinGen allele CA2691331.

ClinVar aggregate classification (germline): Pathogenic (1 of 4 stars; one submission).

Submission:

Labcorp Genetics (formerly Invitae), Labcorp
Classification: Pathogenic. Last evaluated: 2024-05-20. Review status: criteria provided, single submitter. Criteria: Invitae Variant Classification Sherloc (09022015). Collection method: clinical testing. Allele origin: germline.
Comment: This sequence change creates a premature translational stop signal (p.Arg263*) in the SI gene. It is expected to result in an absent or disrupted protein product. Loss-of-function variants in SI are known to be pathogenic (PMID: 16329100, 23103650, 25452324). This variant is present in population databases (rs756977393, gnomAD 0.0009%). This variant has not been reported in the literature in individuals affected with SI-related conditions. ClinVar contains an entry for this variant (Variation ID: 2186118). For these reasons, this variant has been classified as Pathogenic.

Literature cited by the submitters: PubMed 16329100; PubMed 23103650; PubMed 25452324.